The following is an entry in ClinVar:

ClinVar aggregate classification (germline): Benign/Likely benign. Review status: criteria provided, multiple submitters, no conflicts (2 of 4 stars). 2 submissions from 2 submitters: Benign (1); Likely benign (1). Last evaluated 2025-03-26.

Conditions:
Inborn genetic diseases. Identifiers: MedGen C0950123, MeSH D030342.

Allele frequency attached by ClinVar (database versions not stated): gnomAD 0.00001 and 0.00003; TOPMed 0.00001; gnomAD exomes 0.00004 and 0.00008; ExAC 0.00008.
gnomAD v4.1: 68 of 1,613,866 alleles (0.0042%); highest among the groups gnomAD compares: South Asian, 0.053%; no homozygotes.

Submissions (2):

Ambry Genetics
Classification: Likely benign for Inborn genetic diseases. Last evaluated: 2025-03-26. Review status: criteria provided, single submitter. Criteria: Ambry Variant Classification Scheme 2023. Collection method: clinical testing. Allele origin: germline.

Labcorp Genetics (formerly Invitae), Labcorp
Classification: Benign. Last evaluated: 2022-01-14. Review status: criteria provided, single submitter. Criteria: Invitae Variant Classification Sherloc (09022015). Collection method: clinical testing. Allele origin: germline.

NM_170606.3(KMT2C):c.13018G>A (p.Gly4340Ser)

Gene: KMT2C (lysine methyltransferase 2C; minus strand). Cytogenetic location: 7q36.1.
Variant type: single nucleotide variant.
Coding change: c.13018G>A on transcript NM_170606.3 (MANE Select); coding-DNA position 13018, G replaced by A.
Protein change: p.Gly4340Ser; replaces glycine 4340 with serine.
Molecular consequence: missense variant.
Genome position (GRCh38, 1-based): chr7:152,148,909, C>T on the plus strand (G>A on the coding strand, the complement: KMT2C is on the minus strand). VCF-style: chr7-152148909-C-T. GRCh37 (hg19) VCF-style: chr7-151845994-C-T.
Other names: c.13018G>A (NM_170606.2); short protein forms G4340S.
Identifiers: ClinVar variation 1601718 (VCV001601718.12), dbSNP rs774880666, ClinGen allele CA4578683.
Genomic context (GRCh38, chr7:152,148,909, plus strand): 5'-ACTTCTTCCATTTCATTCCTCTCCATTTTTTATTGAGCGGCCTGCAATCTTCAAACCCAC[C>T]ATGGACAGCTCTTAGCCGAGGCTTCAGCTTGACTGTCACCTTCAGCTCATCTGGCTTGGC-3'
Protein context (NP_733751.2, residues 4330-4350): KLKPRLRAVH[Gly4340Ser]GFEDCRPLNK